The following is an entry in ClinVar:

NM_000203.5(IDUA):c.1720G>C (p.Gly574Arg)

Gene: IDUA (alpha-L-iduronidase; plus strand). Cytogenetic location: 4p16.3.
Variant type: single nucleotide variant.
Coding change: c.1720G>C on transcript NM_000203.5 (MANE Select); coding-DNA position 1720, G replaced by C.
Protein change: p.Gly574Arg; replaces glycine 574 with arginine.
Molecular consequence: missense variant. On other transcripts: non-coding transcript variant (1).
Genome position (GRCh38, 1-based): chr4:1,003,618, G>C. VCF-style: chr4-1003618-G-C. GRCh37 (hg19) VCF-style: chr4-997406-G-C.
Other names: c.1324G>C, p.Gly442Arg (NM_001363576.1); short protein forms G442R, G574R.
Identifiers: ClinVar variation 2451016 (VCV002451016.2), dbSNP rs1417716357, ClinGen allele CA355965277.

ClinVar aggregate classification (germline): Uncertain significance (1 of 4 stars; one submission).

Conditions:
Inborn genetic diseases. Identifiers: MedGen C0950123, MeSH D030342.

Submission:

Ambry Genetics
Classification: Uncertain significance for Inborn genetic diseases. Last evaluated: 2023-02-10. Review status: criteria provided, single submitter. Criteria: Ambry Variant Classification Scheme 2023. Collection method: clinical testing. Allele origin: germline.
Comment: The p.G574R variant (also known as c.1720G>C), located in coding exon 12 of the IDUA gene, results from a G to C substitution at nucleotide position 1720. The glycine at codon 574 is replaced by arginine, an amino acid with dissimilar properties. This amino acid position is conserved. In addition, this alteration is predicted to be tolerated by in silico analysis. Since supporting evidence is limited at this time, the clinical significance of this alteration remains unclear.